The following is an entry in ClinVar:

ClinVar aggregate classification (germline): Likely benign (0 of 4 stars; one submission).

Allele frequency attached by ClinVar (database versions not stated): gnomAD exomes 0.00003; gnomAD 0.00004; TOPMed 0.00005; ExAC 0.00007; 1000 Genomes Project 30x 0.00016; 1000 Genomes Project 0.00020.

Submission:

Department of Pathology and Laboratory Medicine, Sinai Health System
Classification: Likely benign. Review status: no assertion criteria provided. Collection method: clinical testing. Allele origin: unknown. Affected: yes. Study: The Canadian Open Genetics Repository (COGR).
Comment: The MUC5B p.Pro4997Leu variant was not identified in the literature nor was it identified in ClinVar. The variant was identified in dbSNP (ID: rs544802823) and in control databases in 18 of 265074 chromosomes at a frequency of 0.00006791 (Genome Aggregation Database March 6, 2019, v2.1.1). The variant was observed in the following populations: Latino in 11 of 33222 chromosomes (freq: 0.000331), Other in 1 of 6734 chromosomes (freq: 0.000149), African in 2 of 23910 chromosomes (freq: 0.000084), European (Finnish) in 1 of 24252 chromosomes (freq: 0.000041) and European (non-Finnish) in 3 of 120780 chromosomes (freq: 0.000025), but was not observed in the Ashkenazi Jewish, East Asian, or South Asian populations. The p.Pro4997 residue is not conserved in mammals and four out of five computational analyses (PolyPhen-2, SIFT, AlignGVGD, BLOSUM, MutationTaster) do not suggest a high likelihood of impact to the protein; however, this information is not predictive enough to rule out pathogenicity. The variant occurs outside of the splicing consensus sequence and in silico or computational prediction software programs (SpliceSiteFinder, MaxEntScan, NNSPLICE, GeneSplicer) do not predict a difference in splicing. In summary, based on the above information the clinical significance of this variant cannot be determined with certainty at this time although we would lean towards a more benign role for this variant. This variant is classified as likely benign.

NM_002458.3(MUC5B):c.14990C>T (p.Pro4997Leu)

Gene: MUC5B (mucin 5B, oligomeric mucus/gel-forming; plus strand). Cytogenetic location: 11p15.5.
Variant type: single nucleotide variant.
Coding change: c.14990C>T on transcript NM_002458.3 (MANE Select); coding-DNA position 14990, C replaced by T.
Protein change: p.Pro4997Leu; replaces proline 4997 with leucine.
Molecular consequence: missense variant.
Genome position (GRCh38, 1-based): chr11:1,252,469, C>T. VCF-style: chr11-1252469-C-T. GRCh37 (hg19) VCF-style: chr11-1273699-C-T.
Other names: short protein forms P4997L.
Identifiers: ClinVar variation 1050786 (VCV001050786.1), dbSNP rs544802823, ClinGen allele CA5808902.
Genomic context (GRCh38, chr11:1,252,469, plus strand): 5'-GTGACATTGACCGCTTCCAGGGCGCCTGTCCCACCTCCCCACCGCCAGTGTCCTCCGCCC[C>T]GCTGTCCTCGCCCTCCCCTGCCCCTGGCTGTGACAATGCCATCCCTCTCCGGCAGGTGGG-3'
Protein context (NP_002449.2, residues 4987-5007): PTSPPPVSSA[Pro4997Leu]LSSPSPAPGC